The following is an entry in ClinVar:

NM_005219.5(DIAPH1):c.3314G>A (p.Arg1105Gln)

Gene: DIAPH1 (diaphanous related formin 1; minus strand). Cytogenetic location: 5q31.3.
Variant type: single nucleotide variant.
Coding change: c.3314G>A on transcript NM_005219.5 (MANE Select); coding-DNA position 3314, G replaced by A.
Protein change: p.Arg1105Gln; replaces arginine 1105 with glutamine.
Molecular consequence: missense variant.
Genome position (GRCh38, 1-based): chr5:141,526,421, C>T on the plus strand (G>A on the coding strand, the complement: DIAPH1 is on the minus strand). VCF-style: chr5-141526421-C-T. GRCh37 (hg19) VCF-style: chr5-140905988-C-T.
Other names: p.Arg1105Gln; c.3287G>A, p.Arg1096Gln (NM_001079812.3); c.3314G>A, p.Arg1105Gln (NM_001314007.2); short protein forms R1096Q, R1105Q.
Identifiers: ClinVar variation 1016997 (VCV001016997.16), dbSNP rs770668053, ClinGen allele CA3478803.

ClinVar aggregate classification (germline): Uncertain significance. Review status: criteria provided, multiple submitters, no conflicts (2 of 4 stars). 6 submissions from 6 submitters: Uncertain significance (6). Last evaluated 2026-05-15.

Conditions:
DIAPH1-related disorder. Also called: DIAPH1-related condition.
Autosomal dominant nonsyndromic hearing loss 1. Also called: DEAFNESS, AUTOSOMAL DOMINANT 1, WITH OR WITHOUT THROMBOCYTOPENIA; KONIGSMARK SYNDROME. Identifiers: Orphanet 90635, MedGen C1852282, MONDO:0007424, OMIM 124900.
Progressive microcephaly-seizures-cortical blindness-developmental delay syndrome. Also called: Seizures, cortical blindness, and microcephaly syndrome. Identifiers: Orphanet 477814, MedGen C5567650, MONDO:0014714, OMIM 616632.
Inborn genetic diseases. Identifiers: MedGen C0950123, MeSH D030342.

Allele frequency attached by ClinVar (database versions not stated): ExAC 0.00001; gnomAD exomes 0.00001 and 0.00003; gnomAD 0.00004 and 0.00005; TOPMed 0.00005.
gnomAD v4.1: 51 of 1,613,982 alleles (0.0032%); highest among the groups gnomAD compares: African/African-American, 0.016%; no homozygotes.

Submissions (6):

PreventionGenetics, part of Exact Sciences
Classification: Uncertain significance for DIAPH1-related condition. Last evaluated: 2026-05-15. Review status: criteria provided, single submitter. Criteria: ACMG Guidelines, 2015. Collection method: clinical testing. Allele origin: germline.
Comment: The DIAPH1 c.3314G>A variant is predicted to result in the amino acid substitution p.Arg1105Gln. To our knowledge, this variant has not been reported in the literature. This variant is reported in 0.0083% of alleles in individuals of African descent in gnomAD. At this time, the clinical significance of this variant is uncertain due to the absence of conclusive functional and genetic evidence.

Labcorp Genetics (formerly Invitae), Labcorp
Classification: Uncertain significance for Progressive microcephaly-seizures-cortical blindness-developmental delay syndrome; Autosomal dominant nonsyndromic hearing loss 1. Last evaluated: 2026-01-26. Review status: criteria provided, single submitter. Criteria: Invitae Variant Classification Sherloc (09022015). Collection method: clinical testing. Allele origin: germline.
Comment: This sequence change replaces arginine, which is basic and polar, with glutamine, which is neutral and polar, at codon 1105 of the DIAPH1 protein (p.Arg1105Gln). This variant is present in population databases (rs770668053, gnomAD 0.008%). This variant has not been reported in the literature in individuals affected with DIAPH1-related conditions. ClinVar contains an entry for this variant (Variation ID: 1016997). An algorithm developed to predict the effect of missense changes on protein structure and function outputs the following: PolyPhen-2: "Benign". The glutamine amino acid residue is found in multiple mammalian species, which suggests that this missense change does not adversely affect protein function. In summary, the available evidence is currently insufficient to determine the role of this variant in disease. Therefore, it has been classified as a Variant of Uncertain Significance.

GeneDx
Classification: Uncertain significance. Last evaluated: 2025-06-25. Review status: criteria provided, single submitter. Criteria: GeneDx Variant Classification Process June 2021. Collection method: clinical testing. Allele origin: germline. Affected: yes.
Comment: In silico analysis suggests that this missense variant does not alter protein structure/function; Has not been previously published as pathogenic or benign to our knowledge

Ambry Genetics
Classification: Uncertain significance for Inborn genetic diseases. Last evaluated: 2025-05-21. Review status: criteria provided, single submitter. Criteria: Ambry Variant Classification Scheme 2023. Collection method: clinical testing. Allele origin: germline.

Mayo Clinic Laboratories, Mayo Clinic
Classification: Uncertain significance. Last evaluated: 2024-01-29. Review status: criteria provided, single submitter. Criteria: ACMG Guidelines, 2015. Collection method: clinical testing. Allele origin: germline. Observed: 1 variant allele.
Comment: BP4, PM1_supporting

ARUP Laboratories, Molecular Genetics and Genomics, ARUP Laboratories
Classification: Uncertain significance. Last evaluated: 2023-12-22. Review status: criteria provided, single submitter. Criteria: ARUP Molecular Germline Variant Investigation Process 2024. Collection method: clinical testing. Allele origin: germline.